The following is an entry in ClinVar:

ClinVar aggregate classification (germline): Uncertain significance (1 of 4 stars; one submission).

Conditions:
Hereditary cancer-predisposing syndrome. Also called: Tumor predisposition; Hereditary Cancer Syndrome; Neoplastic Syndromes, Hereditary; Hereditary neoplastic syndrome. Identifiers: Orphanet 140162, MedGen C0027672, MeSH D009386, MONDO:0015356.

Submission:

Ambry Genetics
Classification: Uncertain significance for Hereditary cancer-predisposing syndrome. Last evaluated: 2021-12-10. Review status: criteria provided, single submitter. Criteria: Ambry Variant Classification Scheme 2023. Collection method: clinical testing. Allele origin: germline.
Comment: The p.I918F variant (also known as c.2752A>T), located in coding exon 20 of the MSH3 gene, results from an A to T substitution at nucleotide position 2752. The isoleucine at codon 918 is replaced by phenylalanine, an amino acid with highly similar properties. This amino acid position is conserved. In addition, the in silico prediction for this alteration is inconclusive. Since supporting evidence is limited at this time, the clinical significance of this alteration remains unclear.

NM_002439.5(MSH3):c.2752A>T (p.Ile918Phe)

Gene: MSH3 (mutS homolog 3; plus strand). Cytogenetic location: 5q14.1.
Variant type: single nucleotide variant.
Coding change: c.2752A>T on transcript NM_002439.5 (MANE Select); coding-DNA position 2752, A replaced by T.
Protein change: p.Ile918Phe; replaces isoleucine 918 with phenylalanine.
Molecular consequence: missense variant.
Genome position (GRCh38, 1-based): chr5:80,813,680, A>T. VCF-style: chr5-80813680-A-T. GRCh37 (hg19) VCF-style: chr5-80109499-A-T.
Other names: short protein forms I918F.
Identifiers: ClinVar variation 1795582 (VCV001795582.2), dbSNP rs1561486726, ClinGen allele CA360274005.